The following is an entry in ClinVar:

ClinVar aggregate classification (germline): Uncertain significance (1 of 4 stars; one submission).

Conditions:
Desmin-related myofibrillar myopathy (MFM1). Also called: Desminopathy; Desmin related myopathy (former name); Desmin storage myopathy (former name); MYOFIBRILLAR MYOPATHY WITH ARRHYTHMOGENIC RIGHT VENTRICULAR CARDIOMYOPATHY; DESMIN-RELATED MYOPATHY WITH ARRHYTHMOGENIC RIGHT VENTRICULAR CARDIOMYOPATHY; Myofibrillar myopathy 1. Identifiers: Orphanet 363543, Orphanet 98909, MedGen C1832370, MONDO:0011076, OMIM 601419.

Submission:

Labcorp Genetics (formerly Invitae), Labcorp
Classification: Uncertain significance for Desmin-related myofibrillar myopathy. Last evaluated: 2024-02-16. Review status: criteria provided, single submitter. Criteria: Invitae Variant Classification Sherloc (09022015). Collection method: clinical testing. Allele origin: germline.
Comment: This sequence change falls in intron 7 of the DES gene. It does not directly change the encoded amino acid sequence of the DES protein. It affects a nucleotide within the consensus splice site. The frequency data for this variant in the population databases is considered unreliable, as metrics indicate poor data quality at this position in the gnomAD database. This variant has not been reported in the literature in individuals affected with DES-related conditions. Variants that disrupt the consensus splice site are a relatively common cause of aberrant splicing (PMID: 17576681, 9536098). Algorithms developed to predict the effect of sequence changes on RNA splicing suggest that this variant may disrupt the consensus splice site. In summary, the available evidence is currently insufficient to determine the role of this variant in disease. Therefore, it has been classified as a Variant of Uncertain Significance.

Literature cited by the submitters: PubMed 17576681; PubMed 9536098.

NM_001927.4(DES):c.1289-3C>T

Gene: DES (desmin; plus strand). Cytogenetic location: 2q35.
Variant type: single nucleotide variant.
Coding change: c.1289-3C>T on transcript NM_001927.4 (MANE Select); 3 bases into the intron before coding-DNA position 1289, C replaced by T.
Molecular consequence: intron variant.
Genome position (GRCh38, 1-based): chr2:219,425,660, C>T. VCF-style: chr2-219425660-C-T. GRCh37 (hg19) VCF-style: chr2-220290382-C-T.
Other names: c.1289-3C>T (NM_001382712.1); c.1268-3C>T (NM_001382711.1); c.1220-3C>T (NM_001382710.1); c.857-3C>T (NM_001382709.1); c.1286-3C>T (NM_001382708.1); c.1019-3C>T (NM_001382713.1).
Identifiers: ClinVar variation 3752418 (VCV003752418.2).
Genomic context (GRCh38, chr2:219,425,660, plus strand): 5'-CAGCCCCTGGTATAGCCCAGCCTGGACTTGGTCAGGCTGAGTGTGCGATGGACCCTGTTA[C>T]AGAAACCAGCCCTGAGCAAAGGGGTTCTGAGGTCCATACCAAGAAGACGGTGATGATCAA-3'